The following is an entry in ClinVar:

NM_001110556.2(FLNA):c.5684A>G (p.Glu1895Gly)

Gene: FLNA (filamin A; minus strand). Cytogenetic location: Xq28.
Variant type: single nucleotide variant.
Coding change: c.5684A>G on transcript NM_001110556.2 (MANE Select); coding-DNA position 5684, A replaced by G.
Protein change: p.Glu1895Gly; replaces glutamic acid 1895 with glycine.
Molecular consequence: missense variant.
Genome position (GRCh38, 1-based): chrX:154,353,917, T>C on the plus strand (A>G on the coding strand, the complement: FLNA is on the minus strand). VCF-style: chrX-154353917-T-C. GRCh37 (hg19) VCF-style: chrX-153582285-T-C.
Other names: c.5660A>G, p.Glu1887Gly (NM_001456.4); short protein forms E1895G, E1887G.
Identifiers: ClinVar variation 4794567 (VCV004794567.1).

ClinVar aggregate classification (germline): Uncertain significance (1 of 4 stars; one submission).

Conditions:
Heterotopia, periventricular, X-linked dominant (PVNH1). Also called: PERIVENTRICULAR NODULAR HETEROTOPIA 1; X-linked periventricular heterotopia; PERIVENTRICULAR NODULAR HETEROTOPIA 4; HETEROTOPIA, PERIVENTRICULAR, 1. Identifiers: Orphanet 2149, Orphanet 82004, MedGen C1848213, MONDO:0010233, OMIM 300049.
Melnick-Needles syndrome (MNS). Also called: MELNICK-NEEDLES OSTEODYSPLASTY; OSTEODYSPLASTY OF MELNICK AND NEEDLES; Melnick-Needles Syndrome (FLNA-MNS). Identifiers: Orphanet 2484, MedGen C0025237, MONDO:0010650, OMIM 309350.
Frontometaphyseal dysplasia (FMD1). Identifiers: Orphanet 1826, MedGen C0265293, MONDO:0015942.
Oto-palato-digital syndrome, type II (OPD2). Also called: FACIOPALATOOSSEOUS SYNDROME; OPD II SYNDROME; Otopalatodigital Syndrome Type 2 (FLNA-OPD2); Otopalatodigital Syndrome, Type II. Identifiers: Orphanet 669, Orphanet 90652, MedGen C1844696, MONDO:0010571, OMIM 304120.

gnomAD v4.1: 3 of 1,212,000 alleles (0.00025%); highest among the groups gnomAD compares: Non-Finnish European, 0.00034%; no homozygotes.

Submission:

Labcorp Genetics (formerly Invitae), Labcorp
Classification: Uncertain significance for Oto-palato-digital syndrome, type II; Heterotopia, periventricular, X-linked dominant; Frontometaphyseal dysplasia; Melnick-Needles syndrome. Last evaluated: 2025-09-13. Review status: criteria provided, single submitter. Criteria: Invitae Variant Classification Sherloc (09022015). Collection method: clinical testing. Allele origin: germline.
Comment: This sequence change replaces glutamic acid, which is acidic and polar, with glycine, which is neutral and non-polar, at codon 1887 of the FLNA protein (p.Glu1887Gly). This variant is not present in population databases (gnomAD no frequency). This variant has not been reported in the literature in individuals affected with FLNA-related conditions. An algorithm developed to predict the effect of missense changes on protein structure and function (PolyPhen-2) suggests that this variant is likely to be disruptive. In summary, the available evidence is currently insufficient to determine the role of this variant in disease. Therefore, it has been classified as a Variant of Uncertain Significance.